The following is an entry in ClinVar:

NM_006421.5(ARFGEF1):c.2699-1G>T

Gene: ARFGEF1 (ARF guanine nucleotide exchange factor 1; minus strand). Cytogenetic location: 8q13.2.
Variant type: single nucleotide variant.
Coding change: c.2699-1G>T on transcript NM_006421.5 (MANE Select); the canonical splice acceptor site of the intron before coding-DNA position 2699, G replaced by T.
Molecular consequence: splice acceptor variant. On other transcripts: intron variant (1).
Genome position (GRCh38, 1-based): chr8:67,251,451, C>A on the plus strand (G>T on the coding strand, the complement: ARFGEF1 is on the minus strand). VCF-style: chr8-67251451-C-A. GRCh37 (hg19) VCF-style: chr8-68163686-C-A.
Other names: c.2699-1G>T (NM_001413186.1, NM_001413187.1, NM_001413185.1 and 6 more transcripts); c.2099-1G>T (NM_001413188.1, NM_001413197.1, NM_001413193.1); c.1274-1G>T (NM_001413196.1); c.2699-7G>T (NM_001413190.1).
Identifiers: ClinVar variation 2572501 (VCV002572501.1), dbSNP rs200901179, ClinGen allele CA371211878.
Genomic context (GRCh38, chr8:67,251,451, plus strand): 5'-TGGCCATCTGCTCCATTTCTAAGTTATACAGAAGTCTTCTTTGTTTTTCACTGGCTACAT[C>A]TGAAACAATAAACACTATCAGCATTTTAAATATAAAACATTTAAGAATTCTATTTTGATA-3'

ClinVar aggregate classification (germline): Likely pathogenic (1 of 4 stars; one submission).

Conditions:
Developmental delay, impaired speech, and behavioral abnormalities, with or without seizures (DEDISB). Identifiers: MedGen C5575272, MONDO:0859263, OMIM 619964.

Submission:

3billion
Classification: Likely pathogenic for Developmental delay, impaired speech, and behavioral abnormalities, with or without seizures. Review status: criteria provided, single submitter. Criteria: ACMG Guidelines, 2015. Collection method: clinical testing. Allele origin: unknown. Affected: yes. Observed: 1 heterozygote.
Comment: The variant is not observed in the gnomAD v2.1.1 dataset. The variant is predicted to alter splicing and result in a loss or disruption of normal protein function. Multiple pathogenic loss-of-function variants are reported downstream of the variant. Therefore, this variant is classified as Likely pathogenic according to the recommendation of ACMG/AMP guideline.